The following is an entry in ClinVar:

NM_014844.5(TECPR2):c.1005_1084+133del

Gene: TECPR2 (tectonin beta-propeller repeat containing 2; plus strand). Cytogenetic location: 14q32.31.
Variant type: Deletion.
Coding change: c.1005_1084+133del on transcript NM_014844.5 (MANE Select); coding-DNA position 1005 through 133 bases into the intron after coding-DNA position 1084, 213 bases deleted.
Molecular consequence: splice donor variant.
Genome position (GRCh38, 1-based): chr14:102,428,303-102,428,515, 213 bases deleted. GRCh37 (hg19): chr14:102,894,640-102,894,852.
Other names: c.1005_1084+133del (NM_001172631.3).
Identifiers: ClinVar variation 2124859 (VCV002124859.4), dbSNP rs2504410935, ClinGen allele CA2580088476.

ClinVar aggregate classification (germline): Likely pathogenic (1 of 4 stars; one submission).

Conditions:
Hereditary spastic paraplegia 49 (HSAN9). Also called: TECPR2-Related Hereditary Sensory and Autonomic Neuropathy with Intellectual Disability; NEUROPATHY, HEREDITARY SENSORY AND AUTONOMIC, TYPE IX, WITH DEVELOPMENTAL DELAY; Spastic paraplegia 49, autosomal recessive. Identifiers: Orphanet 320385, MedGen C5190860, MONDO:0014016, OMIM 615031.

Submission:

Labcorp Genetics (formerly Invitae), Labcorp
Classification: Likely pathogenic for Hereditary spastic paraplegia 49. Last evaluated: 2022-04-11. Review status: criteria provided, single submitter. Criteria: Invitae Variant Classification Sherloc (09022015). Collection method: clinical testing. Allele origin: germline.
Comment: In summary, the currently available evidence indicates that the variant is pathogenic, but additional data are needed to prove that conclusively. Therefore, this variant has been classified as Likely Pathogenic. Algorithms developed to predict the effect of sequence changes on RNA splicing suggest that this variant may disrupt the consensus splice site. This variant has not been reported in the literature in individuals affected with TECPR2-related conditions. This variant is not present in population databases (gnomAD no frequency). This variant results in the deletion of part of exon 7 (c.1005_1084+133del) of the TECPR2 gene. It is expected to disrupt RNA splicing. Variants that disrupt the donor or acceptor splice site typically lead to a loss of protein function (PMID: 16199547), and loss-of-function variants in TECPR2 are known to be pathogenic (PMID: 23176824, 25590979).

Literature cited by the submitters: PubMed 16199547; PubMed 23176824; PubMed 25590979.